The following is an entry in ClinVar:

NM_001292063.2(OTOG):c.1916T>C (p.Leu639Pro)

Gene: OTOG (otogelin; plus strand). Cytogenetic location: 11p15.1.
Variant type: single nucleotide variant.
Coding change: c.1916T>C on transcript NM_001292063.2 (MANE Select); coding-DNA position 1916, T replaced by C.
Protein change: p.Leu639Pro; replaces leucine 639 with proline.
Molecular consequence: missense variant.
Genome position (GRCh38, 1-based): chr11:17,570,351, T>C. VCF-style: chr11-17570351-T-C. GRCh37 (hg19) VCF-style: chr11-17591898-T-C.
Other names: c.1952T>C, p.Leu651Pro (NM_001277269.2); short protein forms L639P, L651P.
Identifiers: ClinVar variation 5019805 (VCV005019805.1).

ClinVar aggregate classification (germline): Uncertain significance (1 of 4 stars; one submission).

Conditions:
Autosomal recessive nonsyndromic hearing loss 18B. Also called: Deafness, autosomal recessive 18b. Identifiers: Orphanet 90636, MedGen C3554163, MONDO:0013985, OMIM 614945.

gnomAD v4.1: 11 of 1,550,588 alleles (0.00071%); highest among the groups gnomAD compares: Non-Finnish European, 0.00096%; no homozygotes.

Submission:

Juno Genomics, Hangzhou Juno Genomics, Inc
Classification: Uncertain significance for Autosomal recessive nonsyndromic hearing loss 18B. Review status: criteria provided, single submitter. Criteria: ACMG Guidelines, 2015. Collection method: clinical testing. Allele origin: germline. Affected: yes.
Comment: Absent from controls (or at extremely low frequency if recessive) in Genome Aggregation Database.;Multiple lines of computational evidence support a deleterious effect on the gene or gene product.